The following is an entry in ClinVar:

NM_006899.5(IDH3B):c.830T>C (p.Ile277Thr)

Gene: IDH3B (isocitrate dehydrogenase (NAD(+)) 3 non-catalytic subunit beta; minus strand). Cytogenetic location: 20p13.
Variant type: single nucleotide variant.
Coding change: c.830T>C on transcript NM_006899.5 (MANE Select); coding-DNA position 830, T replaced by C.
Protein change: p.Ile277Thr; replaces isoleucine 277 with threonine.
Molecular consequence: missense variant. On other transcripts: non-coding transcript variant (1).
Genome position (GRCh38, 1-based): chr20:2,660,115, A>G on the plus strand (T>C on the coding strand, the complement: IDH3B is on the minus strand). VCF-style: chr20-2660115-A-G. GRCh37 (hg19) VCF-style: chr20-2640761-A-G.
Other names: c.830T>C, p.Ile277Thr (NM_001258384.3, NM_001330763.2, NM_174855.4); c.830T>C (NM_006899.2); short protein forms I277T.
Identifiers: ClinVar variation 338020 (VCV000338020.14), dbSNP rs761437016, ClinGen allele CA9735166.
Genomic context (GRCh38, chr20:2,660,115, plus strand): 5'-CTATAGCTCTCACCAGGGACCACACCAGCTCCCCCAACCAGGCCAGCAGCCAGATTGTCA[A>G]TAATGTTCCCATAGAGATTGGGCATCACAAGCACATCAAACTGGTAAGGATTCTGCACCA-3'
Protein context (NP_008830.2, residues 267-287): LVMPNLYGNI[Ile277Thr]DNLAAGLVGG

ClinVar aggregate classification (germline): Uncertain significance. Review status: criteria provided, multiple submitters, no conflicts (2 of 4 stars). 6 submissions from 5 submitters: Uncertain significance (4). 2 of the submissions do not count toward it. Last evaluated 2024-09-19.

Conditions:
Optic atrophy. Identifiers: MedGen C0029124, MONDO:0003608, HP:0000648.
Retinal dystrophy. Also called: Inherited retinal dystrophy. Identifiers: Orphanet 71862, MedGen C0854723, MeSH D058499, MONDO:0019118, HP:0000556.
Retinitis pigmentosa (RP). Identifiers: Orphanet 791, MedGen C0035334, MeSH D012174, MONDO:0019200, OMIM 268000. Inheritance: Autosomal dominant, autosomal recessive and X linked inheritance.

Allele frequency attached by ClinVar (database versions not stated): ExAC 0.00001; gnomAD exomes 0.00004; gnomAD 0.00005; TOPMed 0.00005.
gnomAD v4.1: 73 of 1,614,056 alleles (0.0045%); highest among the groups gnomAD compares: Non-Finnish European, 0.0055%; 1 homozygote.

Submissions (6):

Blueprint Genetics
Classification: Uncertain significance. Last evaluated: 2024-09-19. Review status: criteria provided, single submitter. Criteria: ACMG Guidelines, 2015. Collection method: clinical testing. Allele origin: germline.

Ambry Genetics
Classification: Uncertain significance. Last evaluated: 2022-11-10. Review status: criteria provided, single submitter. Criteria: Ambry Variant Classification Scheme 2023. Collection method: clinical testing. Allele origin: germline.

Labcorp Genetics (formerly Invitae), Labcorp
Classification: Uncertain significance. Last evaluated: 2022-08-26. Review status: criteria provided, single submitter. Criteria: Invitae Variant Classification Sherloc (09022015). Collection method: clinical testing. Allele origin: germline.
Comment: This sequence change replaces isoleucine, which is neutral and non-polar, with threonine, which is neutral and polar, at codon 277 of the IDH3B protein (p.Ile277Thr). This variant is present in population databases (rs761437016, gnomAD 0.009%). This variant has not been reported in the literature in individuals affected with IDH3B-related conditions. ClinVar contains an entry for this variant (Variation ID: 338020). Algorithms developed to predict the effect of missense changes on protein structure and function are either unavailable or do not agree on the potential impact of this missense change (SIFT: "Not Available"; PolyPhen-2: "Possibly Damaging"; Align-GVGD: "Not Available"). In summary, the available evidence is currently insufficient to determine the role of this variant in disease. Therefore, it has been classified as a Variant of Uncertain Significance.

Illumina Laboratory Services, Illumina
Classification: Uncertain significance for Retinitis pigmentosa. Last evaluated: 2018-01-13. Review status: criteria provided, single submitter. Criteria: ICSL Variant Classification Criteria 13 December 2019. Collection method: clinical testing. Allele origin: germline.

Institute of Human Genetics, Univ. Regensburg, Univ. Regensburg
Classification: Uncertain significance for Optic atrophy. Last evaluated: 2022-01-01. Review status: no assertion criteria provided. Criteria: ACMG Guidelines, 2015. Collection method: clinical testing. Allele origin: germline. Affected: yes. Not counted in ClinVar's aggregate classification.

Institute of Human Genetics, Univ. Regensburg, Univ. Regensburg
Classification: Uncertain significance for Retinal dystrophy. Last evaluated: 2022-01-01. Review status: no assertion criteria provided. Criteria: ACMG Guidelines, 2015. Collection method: clinical testing. Allele origin: germline. Affected: yes. Not counted in ClinVar's aggregate classification.